The following is an entry in ClinVar:

NM_001728.4(BSG):c.675T>C (p.Ala225=)

Gene: BSG (basigin (Ok blood group); plus strand). Cytogenetic location: 19p13.3.
Variant type: single nucleotide variant.
Coding change: c.675T>C on transcript NM_001728.4 (MANE Select); coding-DNA position 675, T replaced by C.
Protein change: p.Ala225=; no amino-acid change (alanine 225 retained).
Molecular consequence: synonymous variant.
Genome position (GRCh38, 1-based): chr19:580,665, T>C. VCF-style: chr19-580665-T-C. GRCh37 (hg19) VCF-style: chr19-580665-T-C.
Other names: c.327T>C, p.Ala109= (NM_001322243.2, NM_198589.3); c.48T>C, p.Ala16= (NM_198590.3, NM_198591.4).
Identifiers: ClinVar variation 3059879 (VCV003059879.2), dbSNP rs4682, ClinGen allele CA9017903.

ClinVar aggregate classification (germline): Benign (0 of 4 stars; one submission).

Conditions:
BSG-related disorder. Also called: BSG-related condition.

Allele frequency attached by ClinVar (database versions not stated): ESP Exome Variant Server 0.24104; gnomAD 0.25145; ExAC 0.25605; TOPMed 0.25950; 1000 Genomes Project 0.32648; 1000 Genomes Project 30x 0.32933.
gnomAD v4.1: 380,317 of 1,599,520 alleles (24%); highest among the groups gnomAD compares: East Asian, 48%; 49,246 homozygotes.

Submission:

PreventionGenetics, part of Exact Sciences
Classification: Benign for BSG-related condition. Last evaluated: 2019-10-21. Review status: no assertion criteria provided. Collection method: clinical testing. Allele origin: germline.
Comment: This variant is classified as benign based on ACMG/AMP sequence variant interpretation guidelines (Richards et al. 2015 PMID: 25741868, with internal and published modifications).